The following is an entry in ClinVar:

ClinVar aggregate classification (germline): Uncertain significance (1 of 4 stars; one submission).

Conditions:
Inborn genetic diseases. Identifiers: MedGen C0950123, MeSH D030342.

Submission:

Ambry Genetics
Classification: Uncertain significance for Inborn genetic diseases. Last evaluated: 2025-06-22. Review status: criteria provided, single submitter. Criteria: Ambry Variant Classification Scheme 2023. Collection method: clinical testing. Allele origin: germline.
Comment: The p.R827T variant (also known as c.2480G>C), located in coding exon 26 of the FANCA gene, results from a G to C substitution at nucleotide position 2480. The arginine at codon 827 is replaced by threonine, an amino acid with similar properties. This amino acid position is conserved. In addition, this alteration is predicted to be tolerated by in silico analysis. Based on the available evidence, the clinical significance of this variant remains unclear.

NM_000135.4(FANCA):c.2480G>C (p.Arg827Thr)

Gene: FANCA (FA complementation group A; minus strand). Cytogenetic location: 16q24.3.
Variant type: single nucleotide variant.
Coding change: c.2480G>C on transcript NM_000135.4 (MANE Select); coding-DNA position 2480, G replaced by C.
Protein change: p.Arg827Thr; replaces arginine 827 with threonine.
Molecular consequence: missense variant.
Genome position (GRCh38, 1-based): chr16:89,769,861, C>G on the plus strand (G>C on the coding strand, the complement: FANCA is on the minus strand). VCF-style: chr16-89769861-C-G. GRCh37 (hg19) VCF-style: chr16-89836269-C-G.
Other names: c.2480G>C, p.Arg827Thr (NM_001286167.3); short protein forms R827T.
Identifiers: ClinVar variation 4254142 (VCV004254142.1).